The following is an entry in ClinVar:

NM_001378454.1(ALMS1):c.12316A>G (p.Lys4106Glu)

Gene: ALMS1 (ALMS1 centrosome and basal body associated protein; plus strand). Cytogenetic location: 2p13.1.
Variant type: single nucleotide variant.
Coding change: c.12316A>G on transcript NM_001378454.1 (MANE Select); coding-DNA position 12316, A replaced by G.
Protein change: p.Lys4106Glu; replaces lysine 4106 with glutamic acid.
Molecular consequence: missense variant.
Genome position (GRCh38, 1-based): chr2:73,603,258, A>G. VCF-style: chr2-73603258-A-G. GRCh37 (hg19) VCF-style: chr2-73830385-A-G.
Other names: c.12319A>G, p.Lys4107Glu (NM_015120.4); short protein forms K4107E, K4106E.
Identifiers: ClinVar variation 1965705 (VCV001965705.2), dbSNP rs1558712934, ClinGen allele CA347271146.

ClinVar aggregate classification (germline): Uncertain significance (1 of 4 stars; one submission).

Conditions:
Alstrom syndrome (ALMS). Identifiers: Orphanet 64, MedGen C0268425, MONDO:0008763, OMIM 203800.

Submission:

Labcorp Genetics (formerly Invitae), Labcorp
Classification: Uncertain significance for Alstrom syndrome. Last evaluated: 2022-07-21. Review status: criteria provided, single submitter. Criteria: Invitae Variant Classification Sherloc (09022015). Collection method: clinical testing. Allele origin: germline.
Comment: This sequence change replaces lysine, which is basic and polar, with glutamic acid, which is acidic and polar, at codon 4107 of the ALMS1 protein (p.Lys4107Glu). This variant is not present in population databases (gnomAD no frequency). This variant has not been reported in the literature in individuals affected with ALMS1-related conditions. Experimental studies and prediction algorithms are not available or were not evaluated, and the functional significance of this variant is currently unknown. In summary, the available evidence is currently insufficient to determine the role of this variant in disease. Therefore, it has been classified as a Variant of Uncertain Significance.